The following is an entry in ClinVar:

NM_012463.4(ATP6V0A2):c.598A>G (p.Thr200Ala)

Gene: ATP6V0A2 (ATPase H+ transporting V0 subunit a2; plus strand). Cytogenetic location: 12q24.31.
Variant type: single nucleotide variant.
Coding change: c.598A>G on transcript NM_012463.4 (MANE Select); coding-DNA position 598, A replaced by G.
Protein change: p.Thr200Ala; replaces threonine 200 with alanine.
Molecular consequence: missense variant.
Genome position (GRCh38, 1-based): chr12:123,727,859, A>G. VCF-style: chr12-123727859-A-G. GRCh37 (hg19) VCF-style: chr12-124212406-A-G.
Other names: short protein forms T200A.
Identifiers: ClinVar variation 3131856 (VCV003131856.2), dbSNP rs1566278082, ClinGen allele CA387152531.

ClinVar aggregate classification (germline): Uncertain significance. Review status: criteria provided, multiple submitters, no conflicts (2 of 4 stars). 2 submissions from 2 submitters: Uncertain significance (2). Last evaluated 2025-04-02.

Conditions:
Inborn genetic diseases. Identifiers: MedGen C0950123, MeSH D030342.
ALG9 congenital disorder of glycosylation (CDG1L). Also called: CDG Il; CONGENITAL DISORDER OF GLYCOSYLATION, TYPE Il; ALG9-CDG. Identifiers: Orphanet 79328, MedGen C2931006, MONDO:0012117, OMIM 608776.

Allele frequency attached by ClinVar (database versions not stated): TOPMed below 0.00001; gnomAD exomes 0.00001.
gnomAD v4.1: 16 of 1,614,226 alleles (0.00099%); highest among the groups gnomAD compares: Non-Finnish European, 0.0014%; no homozygotes.

Submissions (2):

Labcorp Genetics (formerly Invitae), Labcorp
Classification: Uncertain significance for ALG9 congenital disorder of glycosylation. Last evaluated: 2025-04-02. Review status: criteria provided, single submitter. Criteria: Invitae Variant Classification Sherloc (09022015). Collection method: clinical testing. Allele origin: germline.
Comment: This sequence change replaces threonine, which is neutral and polar, with alanine, which is neutral and non-polar, at codon 200 of the ATP6V0A2 protein (p.Thr200Ala). This variant is present in population databases (no rsID available, gnomAD 0.003%). This variant has not been reported in the literature in individuals affected with ATP6V0A2-related conditions. ClinVar contains an entry for this variant (Variation ID: 3131856). Invitae Evidence Modeling of protein sequence and biophysical properties (such as structural, functional, and spatial information, amino acid conservation, physicochemical variation, residue mobility, and thermodynamic stability) indicates that this missense variant is not expected to disrupt ATP6V0A2 protein function with a negative predictive value of 80%. In summary, the available evidence is currently insufficient to determine the role of this variant in disease. Therefore, it has been classified as a Variant of Uncertain Significance.

Ambry Genetics
Classification: Uncertain significance for Inborn genetic diseases. Last evaluated: 2023-12-15. Review status: criteria provided, single submitter. Criteria: Ambry Variant Classification Scheme 2023. Collection method: clinical testing. Allele origin: germline.